The following is an entry in ClinVar:

NM_006939.4(SOS2):c.858+5G>C

Gene: SOS2 (SOS Ras/Rho guanine nucleotide exchange factor 2; minus strand). Cytogenetic location: 14q21.3.
Variant type: single nucleotide variant.
Coding change: c.858+5G>C on transcript NM_006939.4 (MANE Select); 5 bases into the intron after coding-DNA position 858, G replaced by C.
Molecular consequence: intron variant.
Genome position (GRCh38, 1-based): chr14:50,182,458, C>G on the plus strand (G>C on the coding strand, the complement: SOS2 is on the minus strand). VCF-style: chr14-50182458-C-G. GRCh37 (hg19) VCF-style: chr14-50649176-C-G.
Other names: c.858+5G>C (NM_001411020.1).
Identifiers: ClinVar variation 2781697 (VCV002781697.3), dbSNP rs2503104099, ClinGen allele CA2739280051.

ClinVar aggregate classification (germline): Uncertain significance (1 of 4 stars; one submission).

Conditions:
Noonan syndrome 9 (NS9). Identifiers: Orphanet 648, MedGen C4225282, MONDO:0014691, OMIM 616559.

Submission:

Labcorp Genetics (formerly Invitae), Labcorp
Classification: Uncertain significance for Noonan syndrome 9. Last evaluated: 2025-10-13. Review status: criteria provided, single submitter. Criteria: Invitae Variant Classification Sherloc (09022015). Collection method: clinical testing. Allele origin: germline.
Comment: This sequence change falls in intron 6 of the SOS2 gene. It does not directly change the encoded amino acid sequence of the SOS2 protein. It affects a nucleotide within the consensus splice site. This variant is not present in population databases (gnomAD no frequency). This variant has not been reported in the literature in individuals affected with SOS2-related conditions. ClinVar contains an entry for this variant (Variation ID: 2781697). Variants that disrupt the consensus splice site are a relatively common cause of aberrant splicing (PMID: 17576681, 9536098). Algorithms developed to predict the effect of sequence changes on RNA splicing suggest that this variant may disrupt the consensus splice site. In summary, the available evidence is currently insufficient to determine the role of this variant in disease. Therefore, it has been classified as a Variant of Uncertain Significance.

Literature cited by the submitters: PubMed 17576681; PubMed 9536098.